The following is an entry in ClinVar:

ClinVar aggregate classification (germline): Benign. Review status: criteria provided, multiple submitters, no conflicts (2 of 4 stars). 6 submissions from 5 submitters: Benign (5). 1 of the submissions does not count toward it. Last evaluated 2026-02-04.

Conditions:
INTU-related disorder. Also called: INTU-related condition.
Orofaciodigital syndrome 17. Also called: OROFACIODIGITAL SYNDROME XVII; OFDS XVII; ORAL-FACIAL-DIGITAL SYNDROME, TYPE XVII. Identifiers: MedGen C4693640, MONDO:0033375, OMIM 617926.
Short-rib thoracic dysplasia 20 with polydactyly. Identifiers: MedGen C4693616, MONDO:0044328, OMIM 617925.

Allele frequency attached by ClinVar (database versions not stated): gnomAD exomes 0.55252 and 0.58234; gnomAD 0.59996 and 0.60215; ExAC 0.58807; 1000 Genomes Project 30x 0.65116; TOPMed 0.61666; 1000 Genomes Project 0.64996; ESP Exome Variant Server 0.61080.
gnomAD v4.1: 898,923 of 1,610,662 alleles (56%); highest among the groups gnomAD compares: African/African-American, 73%; 254,856 homozygotes.

Submissions (6):

Labcorp Genetics (formerly Invitae), Labcorp
Classification: Benign. Last evaluated: 2026-02-04. Review status: criteria provided, single submitter. Criteria: Invitae Variant Classification Sherloc (09022015). Collection method: clinical testing. Allele origin: germline.

Genome-Nilou Lab
Classification: Benign for Orofaciodigital syndrome 17. Last evaluated: 2021-08-19. Review status: criteria provided, single submitter. Criteria: ACMG Guidelines, 2015. Collection method: clinical testing. Allele origin: germline. Affected: no.

Genome-Nilou Lab
Classification: Benign for Short-rib thoracic dysplasia 20 with polydactyly. Last evaluated: 2021-08-19. Review status: criteria provided, single submitter. Criteria: ACMG Guidelines, 2015. Collection method: clinical testing. Allele origin: germline. Affected: no.

GeneDx
Classification: Benign. Last evaluated: 2021-05-04. Review status: criteria provided, single submitter. Criteria: GeneDx Variant Classification Process June 2021. Collection method: clinical testing. Allele origin: germline. Affected: yes.

Breakthrough Genomics
Classification: Benign. Review status: criteria provided, single submitter. Criteria: ACMG Guidelines, 2015. Collection method: not provided. Allele origin: germline. Inheritance: Autosomal recessive inheritance. Affected: yes.

PreventionGenetics, part of Exact Sciences
Classification: Benign for INTU-related condition. Last evaluated: 2019-05-22. Review status: no assertion criteria provided. Collection method: clinical testing. Allele origin: germline. Not counted in ClinVar's aggregate classification.
Comment: This variant is classified as benign based on ACMG/AMP sequence variant interpretation guidelines (Richards et al. 2015 PMID: 25741868, with internal and published modifications).

NM_015693.4(INTU):c.813G>A (p.Thr271=)

Gene: INTU (inturned planar cell polarity protein; plus strand). Cytogenetic location: 4q28.1.
Variant type: single nucleotide variant.
Coding change: c.813G>A on transcript NM_015693.4 (MANE Select); coding-DNA position 813, G replaced by A.
Protein change: p.Thr271=; no amino-acid change (threonine 271 retained).
Molecular consequence: synonymous variant.
Genome position (GRCh38, 1-based): chr4:127,663,425, G>A. VCF-style: chr4-127663425-G-A. GRCh37 (hg19) VCF-style: chr4-128584580-G-A.
Identifiers: ClinVar variation 1179813 (VCV001179813.15), dbSNP rs4833380, ClinGen allele CA3074905.
Genomic context (GRCh38, chr4:127,663,425, plus strand): 5'-GTTTTAATTTTTAAAGGTGAAACTGACATTTGAAAATGCATATGATGTGAAAAGGGAGAC[G>A]TCCCATCCAAGACAGAAAAAGACACAGTCCAACACAAGTGATTTAGTCAAGCTTCTCTGG-3'
Protein context (NP_056508.2, residues 261-281): FENAYDVKRE[Thr271=]SHPRQKKTQS